The following is an entry in ClinVar:

NM_176824.3(BBS7):c.1524A>G (p.Thr508=)

Gene: BBS7 (Bardet-Biedl syndrome 7; minus strand). Cytogenetic location: 4q27.
Variant type: single nucleotide variant.
Coding change: c.1524A>G on transcript NM_176824.3 (MANE Select); coding-DNA position 1524, A replaced by G.
Protein change: p.Thr508=; no amino-acid change (threonine 508 retained).
Molecular consequence: synonymous variant.
Genome position (GRCh38, 1-based): chr4:121,833,383, T>C on the plus strand (A>G on the coding strand, the complement: BBS7 is on the minus strand). VCF-style: chr4-121833383-T-C. GRCh37 (hg19) VCF-style: chr4-122754538-T-C.
Other names: c.1524A>G, p.Thr508= (NM_018190.4).
Identifiers: ClinVar variation 4992113 (VCV004992113.1).

ClinVar aggregate classification (germline): Likely benign (1 of 4 stars; one submission).

Conditions:
BBS7-related disorder. Also called: BBS7-related condition.

gnomAD v4.1: 1 of 1,613,982 alleles (0.000062%); highest among the groups gnomAD compares: Non-Finnish European, 0.000085%; no homozygotes.

Submission:

PreventionGenetics, part of Exact Sciences
Classification: Likely benign for BBS7-related condition. Last evaluated: 2025-08-27. Review status: criteria provided, single submitter. Criteria: ACMG Guidelines, 2015. Collection method: clinical testing. Allele origin: germline.
Comment: This variant is classified as likely benign based on ACMG/AMP sequence variant interpretation guidelines (Richards et al. 2015 PMID: 25741868, with internal and published modifications).